The following is an entry in ClinVar:

ClinVar aggregate classification (germline): Likely benign (1 of 4 stars; one submission).

Conditions:
Catecholaminergic polymorphic ventricular tachycardia (CVPT). Also called: Catecholamine-induced polymorphic ventricular tachycardia. Identifiers: Orphanet 3286, MedGen C5574922, MONDO:0017990.

Submission:

All of Us Research Program, National Institutes of Health
Classification: Likely benign for Catecholaminergic polymorphic ventricular tachycardia. Last evaluated: 2023-10-02. Review status: criteria provided, single submitter. Criteria: ACMG Guidelines, 2015. Collection method: clinical testing. Allele origin: germline. Inheritance: Autosomal dominant inheritance. Observed: 1 variant allele, 1 heterozygote.
Comment: This study involves interpretation of variants in research participants for the purpose of population health screening. Participant phenotype was not available at the time of variant classification. Additional details can be found in publication PMID: 35346344, PMCID: PMC8962531

NM_001035.3(RYR2):c.1812T>C (p.His604=)

Gene: RYR2 (ryanodine receptor 2; plus strand). Cytogenetic location: 1q43.
Variant type: single nucleotide variant.
Coding change: c.1812T>C on transcript NM_001035.3 (MANE Select); coding-DNA position 1812, T replaced by C.
Protein change: p.His604=; no amino-acid change (histidine 604 retained).
Molecular consequence: synonymous variant.
Genome position (GRCh38, 1-based): chr1:237,491,909, T>C. VCF-style: chr1-237491909-T-C. GRCh37 (hg19) VCF-style: chr1-237655209-T-C.
Identifiers: ClinVar variation 3073590 (VCV003073590.1), dbSNP rs1572569609, ClinGen allele CA423816923.